The following is an entry in ClinVar:

ClinVar aggregate classification (germline): Uncertain significance. Review status: criteria provided, multiple submitters, no conflicts (2 of 4 stars). 2 submissions from 2 submitters: Uncertain significance (2). Last evaluated 2022-11-22.

Conditions:
Joubert syndrome 17 (JBTS17). Identifiers: Orphanet 475, MedGen C3553264, MONDO:0013824, OMIM 614615.

Allele frequency attached by ClinVar (database versions not stated): gnomAD 0.00001; gnomAD exomes 0.00001 and 0.00002.
gnomAD v4.1: 29 of 1,547,412 alleles (0.0019%); highest among the groups gnomAD compares: East Asian, 0.059%; no homozygotes.

Submissions (2):

Labcorp Genetics (formerly Invitae), Labcorp
Classification: Uncertain significance. Last evaluated: 2022-11-22. Review status: criteria provided, single submitter. Criteria: Invitae Variant Classification Sherloc (09022015). Collection method: clinical testing. Allele origin: germline.
Comment: In summary, the available evidence is currently insufficient to determine the role of this variant in disease. Therefore, it has been classified as a Variant of Uncertain Significance. Advanced modeling of protein sequence and biophysical properties (such as structural, functional, and spatial information, amino acid conservation, physicochemical variation, residue mobility, and thermodynamic stability) performed at Invitae indicates that this missense variant is not expected to disrupt CPLANE1 protein function. ClinVar contains an entry for this variant (Variation ID: 907934). This variant has not been reported in the literature in individuals affected with CPLANE1-related conditions. This variant is present in population databases (no rsID available, gnomAD 0.02%). This sequence change replaces histidine, which is basic and polar, with arginine, which is basic and polar, at codon 962 of the CPLANE1 protein (p.His962Arg).

Illumina Laboratory Services, Illumina
Classification: Uncertain significance for Joubert syndrome 17. Last evaluated: 2018-01-12. Review status: criteria provided, single submitter. Criteria: ICSL Variant Classification Criteria 13 December 2019. Collection method: clinical testing. Allele origin: germline.

NM_001384732.1(CPLANE1):c.2885A>G (p.His962Arg)

Gene: CPLANE1 (ciliogenesis and planar polarity effector complex subunit 1; minus strand). Cytogenetic location: 5p13.2.
Variant type: single nucleotide variant.
Coding change: c.2885A>G on transcript NM_001384732.1 (MANE Select); coding-DNA position 2885, A replaced by G.
Protein change: p.His962Arg; replaces histidine 962 with arginine.
Molecular consequence: missense variant.
Genome position (GRCh38, 1-based): chr5:37,213,594, T>C on the plus strand (A>G on the coding strand, the complement: CPLANE1 is on the minus strand). VCF-style: chr5-37213594-T-C. GRCh37 (hg19) VCF-style: chr5-37213696-T-C.
Other names: c.2885A>G, p.His962Arg (NM_023073.4); short protein forms H962R.
Identifiers: ClinVar variation 907934 (VCV000907934.8), dbSNP rs926554823, ClinGen allele CA117047090.